The following is an entry in ClinVar:

NM_016013.4(NDUFAF1):c.958G>A (p.Glu320Lys)

Gene: NDUFAF1 (NADH:ubiquinone oxidoreductase complex assembly factor 1; minus strand). Cytogenetic location: 15q15.1.
Variant type: single nucleotide variant.
Coding change: c.958G>A on transcript NM_016013.4 (MANE Select); coding-DNA position 958, G replaced by A.
Protein change: p.Glu320Lys; replaces glutamic acid 320 with lysine.
Molecular consequence: missense variant. On other transcripts: non-coding transcript variant (1).
Genome position (GRCh38, 1-based): chr15:41,387,470, C>T on the plus strand (G>A on the coding strand, the complement: NDUFAF1 is on the minus strand). VCF-style: chr15-41387470-C-T. GRCh37 (hg19) VCF-style: chr15-41679668-C-T.
Other names: c.958G>A (NM_016013.2); short protein forms E320K.
Identifiers: ClinVar variation 1518756 (VCV001518756.8), dbSNP rs200394888, ClinGen allele CA7491186.

ClinVar aggregate classification (germline): Uncertain significance. Review status: criteria provided, multiple submitters, no conflicts (2 of 4 stars). 3 submissions from 3 submitters: Uncertain significance (3). Last evaluated 2026-03-31.

Allele frequency attached by ClinVar (database versions not stated): gnomAD 0.00011 and 0.00010; 1000 Genomes Project 0.00020; ESP Exome Variant Server 0.00023; TOPMed 0.00012; 1000 Genomes Project 30x 0.00016.

Submissions (3):

GeneDx
Classification: Uncertain significance. Last evaluated: 2026-03-31. Review status: criteria provided, single submitter. Criteria: GeneDx Variant Classification Process June 2021. Collection method: clinical testing. Allele origin: germline.
Comment: In silico analysis suggests that this missense variant does not alter protein structure/function; Has not been previously published as pathogenic or benign to our knowledge

Labcorp Genetics (formerly Invitae), Labcorp
Classification: Uncertain significance. Last evaluated: 2025-01-06. Review status: criteria provided, single submitter. Criteria: Invitae Variant Classification Sherloc (09022015). Collection method: clinical testing. Allele origin: germline.
Comment: This sequence change replaces glutamic acid, which is acidic and polar, with lysine, which is basic and polar, at codon 320 of the NDUFAF1 protein (p.Glu320Lys). This variant is present in population databases (rs200394888, gnomAD 0.04%). This variant has not been reported in the literature in individuals affected with NDUFAF1-related conditions. ClinVar contains an entry for this variant (Variation ID: 1518756). An algorithm developed to predict the effect of missense changes on protein structure and function (PolyPhen-2) suggests that this variant is likely to be tolerated. In summary, the available evidence is currently insufficient to determine the role of this variant in disease. Therefore, it has been classified as a Variant of Uncertain Significance.

Ambry Genetics
Classification: Uncertain significance. Last evaluated: 2024-12-06. Review status: criteria provided, single submitter. Criteria: Ambry Variant Classification Scheme 2023. Collection method: clinical testing. Allele origin: germline.